The following is an entry in ClinVar:

ClinVar aggregate classification (germline): Uncertain significance. Review status: criteria provided, multiple submitters, no conflicts (2 of 4 stars). 2 submissions from 2 submitters: Uncertain significance (2). Last evaluated 2024-12-06.

Conditions:
Inborn genetic diseases. Identifiers: MedGen C0950123, MeSH D030342.

gnomAD v4.1: 66 of 1,614,030 alleles (0.0041%); highest among the groups gnomAD compares: African/African-American, 0.004%; no homozygotes.

Submissions (2):

Ambry Genetics
Classification: Uncertain significance for Inborn genetic diseases. Last evaluated: 2024-12-06. Review status: criteria provided, single submitter. Criteria: Ambry Variant Classification Scheme 2023. Collection method: clinical testing. Allele origin: germline.
Comment: The p.R144C variant (also known as c.430C>T), located in coding exon 3 of the USB1 gene, results from a C to T substitution at nucleotide position 430. The arginine at codon 144 is replaced by cysteine, an amino acid with highly dissimilar properties. This amino acid position is conserved. In addition, this alteration is predicted to be tolerated by in silico analysis. Based on the available evidence, the clinical significance of this variant remains unclear.

Labcorp Genetics (formerly Invitae), Labcorp
Classification: Uncertain significance. Last evaluated: 2024-11-07. Review status: criteria provided, single submitter. Criteria: Invitae Variant Classification Sherloc (09022015). Collection method: clinical testing. Allele origin: germline.
Comment: This sequence change replaces arginine, which is basic and polar, with cysteine, which is neutral and slightly polar, at codon 144 of the USB1 protein (p.Arg144Cys). This variant is present in population databases (rs774644058, gnomAD 0.07%). This variant has not been reported in the literature in individuals affected with USB1-related conditions. Invitae Evidence Modeling of protein sequence and biophysical properties (such as structural, functional, and spatial information, amino acid conservation, physicochemical variation, residue mobility, and thermodynamic stability) indicates that this missense variant is not expected to disrupt USB1 protein function with a negative predictive value of 80%. In summary, the available evidence is currently insufficient to determine the role of this variant in disease. Therefore, it has been classified as a Variant of Uncertain Significance.

NM_024598.4(USB1):c.430C>T (p.Arg144Cys)

Gene: USB1 (U6 snRNA biogenesis phosphodiesterase 1; plus strand). Cytogenetic location: 16q21.
Variant type: single nucleotide variant.
Coding change: c.430C>T on transcript NM_024598.4 (MANE Select); coding-DNA position 430, C replaced by T.
Protein change: p.Arg144Cys; replaces arginine 144 with cysteine.
Molecular consequence: missense variant.
Genome position (GRCh38, 1-based): chr16:58,010,093, C>T. VCF-style: chr16-58010093-C-T. GRCh37 (hg19) VCF-style: chr16-58043997-C-T.
Other names: c.430C>T, p.Arg144Cys (NM_001195302.2, NM_001204911.2, NM_001330569.2); c.277C>T, p.Arg93Cys (NM_001330568.2); short protein forms R93C, R144C.
Identifiers: ClinVar variation 3466490 (VCV003466490.2).